The following is an entry in ClinVar:

NM_000540.3(RYR1):c.14363A>G (p.Asn4788Ser)

Gene: RYR1 (ryanodine receptor 1; plus strand). Cytogenetic location: 19q13.2.
Variant type: single nucleotide variant.
Coding change: c.14363A>G on transcript NM_000540.3 (MANE Select); coding-DNA position 14363, A replaced by G.
Protein change: p.Asn4788Ser; replaces asparagine 4788 with serine.
Molecular consequence: missense variant.
Genome position (GRCh38, 1-based): chr19:38,578,203, A>G. VCF-style: chr19-38578203-A-G. GRCh37 (hg19) VCF-style: chr19-39068843-A-G.
Other names: c.14348A>G, p.Asn4783Ser (NM_001042723.2); short protein forms N4788S, N4783S.
Identifiers: ClinVar variation 478196 (VCV000478196.8), dbSNP rs200002533, ClinGen allele CA061135.

ClinVar aggregate classification (germline): Uncertain significance. Review status: criteria provided, multiple submitters, no conflicts (2 of 4 stars). 3 submissions from 3 submitters: Uncertain significance (3). Last evaluated 2025-07-04.

Conditions:
RYR1-related disorder. Also called: RYR1-related condition; RYR1-related disorders. Identifiers: MedGen CN239331.
Malignant hyperthermia, susceptibility to, 1 (MHS1). Also called: Anesthesia related hyperthermia; Malignant hyperpyrexia; Fulminating hyperpyrexia; Pharmacogenic myopathy; Malignant hyperthermia suceptibility 1; RYR1-Related Malignant Hyperthermia Susceptibility. Identifiers: Orphanet 423, MedGen C2930980, MONDO:0007783, OMIM 145600.

Allele frequency attached by ClinVar (database versions not stated): gnomAD 0.00001; TOPMed 0.00002; gnomAD exomes 0.00003; ExAC 0.00006.
gnomAD v4.1: 18 of 1,613,266 alleles (0.0011%); highest among the groups gnomAD compares: Non-Finnish European, 0.0015%; no homozygotes.

Submissions (3):

Revvity Omics, Revvity
Classification: Uncertain significance. Last evaluated: 2025-07-04. Review status: criteria provided, single submitter. Criteria: ACMG Guidelines, 2015. Collection method: clinical testing. Allele origin: germline.

Color Diagnostics, LLC DBA Color Health
Classification: Uncertain significance for Malignant hyperthermia, susceptibility to, 1. Last evaluated: 2025-06-10. Review status: criteria provided, single submitter. Criteria: ACMG Guidelines, 2015. Collection method: clinical testing. Allele origin: germline.
Comment: This missense variant replaces asparagine with serine at codon 4788 of the RYR1 protein. Computational prediction is inconclusive regarding the impact of this variant on protein structure and function. Splice site prediction tools suggest that this variant may have an impact on RNA splicing. To our knowledge, functional studies have not been reported for this variant. This variant has not been reported in individuals affected with RYR1-related disorders in the literature. This variant has been identified in 7/249338 chromosomes in the general population by the Genome Aggregation Database (gnomAD). The available evidence is insufficient to determine the role of this variant in disease conclusively. Therefore, this variant is classified as a Variant of Uncertain Significance.

Labcorp Genetics (formerly Invitae), Labcorp
Classification: Uncertain significance for RYR1-related disorder. Last evaluated: 2022-10-07. Review status: criteria provided, single submitter. Criteria: Invitae Variant Classification Sherloc (09022015). Collection method: clinical testing. Allele origin: germline.
Comment: Advanced modeling of protein sequence and biophysical properties (such as structural, functional, and spatial information, amino acid conservation, physicochemical variation, residue mobility, and thermodynamic stability) has been performed at Invitae for this missense variant, however the output from this modeling did not meet the statistical confidence thresholds required to predict the impact of this variant on RYR1 protein function. This sequence change replaces asparagine, which is neutral and polar, with serine, which is neutral and polar, at codon 4788 of the RYR1 protein (p.Asn4788Ser). This variant is present in population databases (rs200002533, gnomAD 0.006%). This variant has not been reported in the literature in individuals affected with RYR1-related conditions. ClinVar contains an entry for this variant (Variation ID: 478196). Algorithms developed to predict the effect of sequence changes on RNA splicing suggest that this variant may disrupt the consensus splice site. In summary, the available evidence is currently insufficient to determine the role of this variant in disease. Therefore, it has been classified as a Variant of Uncertain Significance.